The following is an entry in ClinVar:

ClinVar aggregate classification (germline): Pathogenic. Review status: criteria provided, single submitter (1 of 4 stars). 2 submissions from 2 submitters: Pathogenic (1). 1 of the submissions does not count toward it. Last evaluated 2021-10-16.

Conditions:
Anauxetic dysplasia. Identifiers: Orphanet 93347, MedGen C1846796, MONDO:0011773.
Metaphyseal chondrodysplasia, McKusick type (CHH). Also called: Cartilage-hair hypoplasia; Cartilage-Hair Hypoplasia (CHH). Identifiers: Orphanet 175, MedGen C0220748, MONDO:0009595, OMIM 250250.

Submissions (2):

Labcorp Genetics (formerly Invitae), Labcorp
Classification: Pathogenic for Anauxetic dysplasia. Last evaluated: 2021-10-16. Review status: criteria provided, single submitter. Criteria: Invitae Variant Classification Sherloc (09022015). Collection method: clinical testing. Allele origin: germline.
Comment: While functional studies for this variant have not been reported, experimental analyses using patient derived cells, as well as in vitro transfection studies, have shown that promoter insertions result in silencing of RMRP transcription and reduced expression of the gene product (PMID: 11207361, 16254002). For these reasons, this variant has been classified as Pathogenic. While this particular variant has not been reported in the literature, it is located in the promoter region between the TATA box and the transcription initiation site, and other insertions and duplications immediately upstream of the coding sequence have been reported in individuals affected with cartilage-hair hypoplasia-anauxetic dysplasia (CHH-AD) spectrum disorders (PMID: 16244706, 11207361, 12107819). This variant occurs in the RMRP gene, which encodes an RNA molecule that does not result in a protein product. The frequency data for this variant in the population databases is considered unreliable, as metrics indicate insufficient coverage at this position in the ExAC database.

Counsyl
Classification: Likely pathogenic for Metaphyseal chondrodysplasia, McKusick type. Last evaluated: 2018-04-24. Review status: no assertion criteria provided. Collection method: clinical testing. Allele origin: unknown. Not counted in ClinVar's aggregate classification.

Literature cited by the submitters: PubMed 11207361 (cited by Labcorp Genetics (formerly Invitae), Labcorp); PubMed 16254002 (cited by Labcorp Genetics (formerly Invitae), Labcorp); PubMed 16244706 (cited by Labcorp Genetics (formerly Invitae), Labcorp); PubMed 12107819 (cited by Labcorp Genetics (formerly Invitae), Labcorp).

NR_003051.3(RMRP):n.-7_-6ins16

Gene: RMRP (RNA component of mitochondrial RNA processing endoribonuclease; minus strand). Cytogenetic location: 9p13.3.
Variant type: Insertion.
Genome position: GRCh38 VCF-style: chr9-35658024-C-CTCAGTTTCACAGAGTA. GRCh37 (hg19) VCF-style: chr9-35658021-C-CTCAGTTTCACAGAGTA.
Identifiers: ClinVar variation 558025 (VCV000558025.7), dbSNP rs1554651461, ClinGen allele CA915947445.
Genomic context (GRCh38, chr9:35,658,024, plus strand): 5'-GGGAGGAACAGAGTCCTCAGTGTGTAGCCTAGGATACAGGCCTTCAGCACGAACCACGTC[C>CTCAGTTTCACAGAGTA]TCAGCTTCACAGAGTAGTATTTTATAGCCCTAAAGAAATTGTGTTTTATGATTAGGGTGA-3'